The following is an entry in ClinVar:

ClinVar aggregate classification (germline): Pathogenic. Review status: criteria provided, single submitter (1 of 4 stars). 2 submissions from 2 submitters: Pathogenic (1). 1 of the submissions does not count toward it. Last evaluated 2014-10-05.

Conditions:
Inborn genetic diseases. Identifiers: MedGen C0950123, MeSH D030342.
Syndromic X-linked intellectual disability Najm type (MICPCH). Also called: Intellectual Disability and Microcephaly with Pontine and Cerebellar Hypoplasia (MICPCH); Mental retardation and microcephaly with pontine and cerebellar hypoplasia; MENTAL RETARDATION, X-LINKED, SYNDROMIC, NAJM TYPE; MICPCH SYNDROME; Intellectual developmental disorder and microcephaly with pontine and cerebellar hypoplasia; Intellectual Disability and Microcephaly with Pontine and Cerebellar Hypoplasia. Identifiers: Orphanet 163937, MedGen C2677903, MONDO:0010417, OMIM 300749.

Submissions (2):

Ambry Genetics
Classification: Pathogenic for Inborn genetic diseases. Last evaluated: 2014-10-05. Review status: criteria provided, single submitter. Criteria: Ambry Variant Classification Scheme 2023. Collection method: clinical testing. Allele origin: germline.
Comment: The p.M1? pathogenic mutation (also known as c.1A>G) is located in coding exon 1 of the CASK gene and results from an A to G substitution at nucleotide position 1. This substitution alters the methionine residue at the initiation codon. In this same report by Saitsu, H et al., protein expression studies through immunoblotting antibody assay showed no CASK protein expression in the proband's lymphoblastoid cell line. In addition to the clinical data presented in the literature, since sequence variations that modify the initiation codon (ATG) are expected to be deleterious, this alteration is interpreted as a disease-causing mutation (ACMG Recommendations for Standards for Interpretation and Reporting of Sequence Variations. Revision 2007. Genet Med. 2008;10:294).

OMIM
Classification: Pathogenic for INTELLECTUAL DEVELOPMENTAL DISORDER WITH MICROCEPHALY AND PONTINE AND CEREBELLAR HYPOPLASIA. Last evaluated: 2024-02-12. Review status: no assertion criteria provided. Collection method: literature only. Allele origin: germline. Not counted in ClinVar's aggregate classification.

Literature cited by the submitters: PubMed 25886057 (cited by OMIM); PubMed 22709267 (cited by OMIM).

NM_001367721.1(CASK):c.1A>G (p.Met1Val)

Gene: CASK (calcium/calmodulin dependent serine protein kinase; minus strand). Cytogenetic location: Xp11.4.
Variant type: single nucleotide variant.
Coding change: c.1A>G on transcript NM_001367721.1 (MANE Select); coding-DNA position 1, A replaced by G.
Protein change: p.Met1Val; changes the start codon (methionine 1).
Molecular consequence: missense variant, initiator codon variant.
Genome position (GRCh38, 1-based): chrX:41,922,988, T>C on the plus strand (A>G on the coding strand, the complement: CASK is on the minus strand). VCF-style: chrX-41922988-T-C. GRCh37 (hg19) VCF-style: chrX-41782241-T-C.
Other names: c.1A>G, p.Met1Val (NM_001126054.3, NM_001126055.3, NM_001410745.1 and 1 more transcripts); short protein forms M1V.
Identifiers: ClinVar variation 1784171 (VCV001784171.5), dbSNP rs1556313516, ClinGen allele CA413002027.